The following is an entry in ClinVar:

NM_001291415.2(KDM6A):c.3791A>G (p.Gln1264Arg)

Gene: KDM6A (lysine demethylase 6A; plus strand). Cytogenetic location: Xp11.3.
Variant type: single nucleotide variant.
Coding change: c.3791A>G on transcript NM_001291415.2 (MANE Select); coding-DNA position 3791, A replaced by G.
Protein change: p.Gln1264Arg; replaces glutamine 1264 with arginine.
Molecular consequence: missense variant. On other transcripts: non-coding transcript variant (1).
Genome position (GRCh38, 1-based): chrX:45,089,829, A>G. VCF-style: chrX-45089829-A-G. GRCh37 (hg19) VCF-style: chrX-44949074-A-G.
Other names: c.3656A>G, p.Gln1219Arg (NM_001291416.2); c.3500A>G, p.Gln1167Arg (NM_001291417.2); c.3398A>G, p.Gln1133Arg (NM_001291418.2); c.2747A>G, p.Gln916Arg (NM_001291421.2); c.3635A>G, p.Gln1212Arg (NM_021140.4); short protein forms Q1212R, Q1264R, Q1133R, Q1219R, Q1167R, Q916R.
Identifiers: ClinVar variation 211257 (VCV000211257.7), dbSNP rs797045644, ClinGen allele CA206562.

ClinVar aggregate classification (germline): Likely pathogenic. Review status: criteria provided, multiple submitters, no conflicts (2 of 4 stars). 2 submissions from 2 submitters: Likely pathogenic (2). Last evaluated 2015-10-06.

Conditions:
Kabuki syndrome 2 (KABUK2). Also called: KDM6A-Related Kabuki Syndrome. Identifiers: Orphanet 2322, MedGen C3275495, MONDO:0010465, OMIM 300867.

Submissions (2):

GeneDx
Classification: Likely pathogenic. Last evaluated: 2015-10-06. Review status: criteria provided, single submitter. Criteria: GeneDx Variant Classification (06012015). Collection method: clinical testing. Allele origin: germline. Affected: yes.
Comment: The Q1212R variant in the KDM6A gene has not been published as a pathogenic variant, nor has it been reported as a benign polymorphism to our knowledge. This variant was not observed in approximately 6500 individuals of European and African American ancestry in the NHLBI Exome Sequencing Project, indicating it is not a common benign variant in these populations. The Q1212R variant is a semi-conservative amino acid substitution, which may impact secondary protein structure as these residues differ in some properties. This substitution occurs at a position that is conserved across species, and in silico analysis predicts this variant is probably damaging to the protein structure/function. The Q1212R variant is a strong candidate for a pathogenic variantl. However, the possibility it may be a rare benign variant cannot be excluded.

Genetic Services Laboratory, University of Chicago
Classification: Likely pathogenic for Kabuki syndrome 2. Last evaluated: 2015-06-29. Review status: criteria provided, single submitter. Criteria: ACMG Guidelines, 2015. Collection method: clinical testing. Allele origin: germline. Affected: yes.